The following is an entry in ClinVar:

NM_001110556.2(FLNA):c.3045G>A (p.Ala1015=)

Gene: FLNA (filamin A; minus strand). Cytogenetic location: Xq28.
Variant type: single nucleotide variant.
Coding change: c.3045G>A on transcript NM_001110556.2 (MANE Select); coding-DNA position 3045, G replaced by A.
Protein change: p.Ala1015=; no amino-acid change (alanine 1015 retained).
Molecular consequence: synonymous variant.
Genome position (GRCh38, 1-based): chrX:154,361,470, C>T on the plus strand (G>A on the coding strand, the complement: FLNA is on the minus strand). VCF-style: chrX-154361470-C-T. GRCh37 (hg19) VCF-style: chrX-153589838-C-T.
Other names: c.3045G>A, p.Ala1015= (NM_001456.4); c.3045G>A (NM_001110556.1).
Identifiers: ClinVar variation 129062 (VCV000129062.69), dbSNP rs370868704, ClinGen allele CA231101.

ClinVar aggregate classification (germline): Conflicting classifications of pathogenicity. Review status: criteria provided, conflicting classifications (1 of 4 stars). 10 submissions from 10 submitters: Uncertain significance (3); Benign (3); Likely benign (3). 1 of the submissions does not count toward it. Last evaluated 2026-01-11.

Conditions:
Heterotopia, periventricular, X-linked dominant (PVNH1). Also called: PERIVENTRICULAR NODULAR HETEROTOPIA 1; X-linked periventricular heterotopia; PERIVENTRICULAR NODULAR HETEROTOPIA 4; HETEROTOPIA, PERIVENTRICULAR, 1. Identifiers: Orphanet 2149, Orphanet 82004, MedGen C1848213, MONDO:0010233, OMIM 300049.
Melnick-Needles syndrome (MNS). Also called: MELNICK-NEEDLES OSTEODYSPLASTY; OSTEODYSPLASTY OF MELNICK AND NEEDLES; Melnick-Needles Syndrome (FLNA-MNS). Identifiers: Orphanet 2484, MedGen C0025237, MONDO:0010650, OMIM 309350.
Frontometaphyseal dysplasia (FMD1). Identifiers: Orphanet 1826, MedGen C0265293, MONDO:0015942.
Oto-palato-digital syndrome, type II (OPD2). Also called: FACIOPALATOOSSEOUS SYNDROME; OPD II SYNDROME; Otopalatodigital Syndrome, Type II; Otopalatodigital Syndrome Type 2 (FLNA-OPD2). Identifiers: Orphanet 669, Orphanet 90652, MedGen C1844696, MONDO:0010571, OMIM 304120.
FLNA-related disorder.
Familial thoracic aortic aneurysm and aortic dissection (TAAD). Also called: Thoracic aortic aneurysms and dissections. Identifiers: Orphanet 91387, MedGen C4707243, MONDO:0019625.

Allele frequency attached by ClinVar (database versions not stated): ESP Exome Variant Server 0.00010; TOPMed 0.00013; gnomAD 0.00014 and 0.00016; gnomAD exomes 0.00019 and 0.00030; ExAC 0.00020; 1000 Genomes Project 30x 0.00021; 1000 Genomes Project 0.00026.

Submissions (10):

Labcorp Genetics (formerly Invitae), Labcorp
Classification: Benign for Oto-palato-digital syndrome, type II; Heterotopia, periventricular, X-linked dominant; Frontometaphyseal dysplasia; Melnick-Needles syndrome. Last evaluated: 2026-01-11. Review status: criteria provided, single submitter. Criteria: Invitae Variant Classification Sherloc (09022015). Collection method: clinical testing. Allele origin: germline.

Women's Health and Genetics/Laboratory Corporation of America, LabCorp
Classification: Benign. Last evaluated: 2026-01-02. Review status: criteria provided, single submitter. Criteria: LabCorp Variant Classification Summary - May 2015. Collection method: clinical testing. Allele origin: germline.

Blueprint Genetics
Classification: Likely benign. Last evaluated: 2023-02-03. Review status: criteria provided, single submitter. Criteria: ACMG Guidelines, 2015. Collection method: clinical testing. Allele origin: germline.

ARUP Laboratories, Molecular Genetics and Genomics, ARUP Laboratories
Classification: Likely benign. Last evaluated: 2019-08-13. Review status: criteria provided, single submitter. Criteria: ARUP Molecular Germline Variant Investigation Process. Collection method: clinical testing. Allele origin: germline.

Ambry Genetics
Classification: Likely benign for Familial thoracic aortic aneurysm and aortic dissection. Last evaluated: 2019-06-12. Review status: criteria provided, single submitter. Criteria: Ambry Variant Classification Scheme 2023. Collection method: clinical testing. Allele origin: germline.

Eurofins Ntd Llc (ga)
Classification: Uncertain significance. Last evaluated: 2016-05-24. Review status: criteria provided, single submitter. Criteria: EGL Classification Definitions 2015. Collection method: clinical testing. Allele origin: germline. Observed: 2 variant alleles, 1 heterozygote, 1 homozygote.

CeGaT Center for Human Genetics Tuebingen
Classification: Uncertain significance. Last evaluated: 2016-05-01. Review status: criteria provided, single submitter. Criteria: CeGaT Center For Human Genetics Tuebingen Variant Classification Criteria Version 2. Collection method: clinical testing. Allele origin: germline. Affected: yes. Observed: 1 variant allele.

GeneDx
Classification: Benign. Last evaluated: 2015-01-16. Review status: criteria provided, single submitter. Criteria: GeneDx Variant Classification (06012015). Collection method: clinical testing. Allele origin: germline. Affected: yes.
Comment: This variant is considered likely benign or benign based on one or more of the following criteria: it is a conservative change, it occurs at a poorly conserved position in the protein, it is predicted to be benign by multiple in silico algorithms, and/or has population frequency not consistent with disease.

Genetic Services Laboratory, University of Chicago
Classification: Uncertain significance. Last evaluated: 2013-06-12. Review status: criteria provided, single submitter. Criteria: ACMG Guidelines, 2007. Collection method: clinical testing. Allele origin: germline. Inheritance: X-linked inheritance.

PreventionGenetics, part of Exact Sciences
Classification: Likely benign for FLNA-related condition. Last evaluated: 2021-10-06. Review status: no assertion criteria provided. Collection method: clinical testing. Allele origin: germline. Not counted in ClinVar's aggregate classification.
Comment: This variant is classified as likely benign based on ACMG/AMP sequence variant interpretation guidelines (Richards et al. 2015 PMID: 25741868, with internal and published modifications).